The following is an entry in ClinVar:

ClinVar aggregate classification (germline): Benign/Likely benign. Review status: criteria provided, multiple submitters, no conflicts (2 of 4 stars). 8 submissions from 8 submitters: Benign (5); Likely benign (3). Last evaluated 2026-07-01.

Conditions:
Hereditary spastic paraplegia. Also called: Familial spastic paraparesis. Identifiers: Orphanet 685, MedGen C0037773, MONDO:0019064. Disease mechanism: loss of function.
Hereditary spastic paraplegia 50 (SPG50). Also called: Spastic paraplegia 50, autosomal recessive. Identifiers: Orphanet 280763, MedGen C2752008, MONDO:0013048, OMIM 612936.

Allele frequency attached by ClinVar (database versions not stated): 1000 Genomes Project 30x 0.00187; 1000 Genomes Project 0.00220; TOPMed 0.00531; gnomAD 0.00632 and 0.00663; gnomAD exomes 0.00714 and 0.00729; ExAC 0.00748; ESP Exome Variant Server 0.00853.
gnomAD v4.1: 11,387 of 1,614,124 alleles (0.71%); highest among the groups gnomAD compares: Middle Eastern, 1.3%; 71 homozygotes.

Submissions (8):

CeGaT Center for Human Genetics Tuebingen
Classification: Likely benign. Last evaluated: 2026-07-01. Review status: criteria provided, single submitter. Criteria: CeGaT Center For Human Genetics Tuebingen Variant Classification Criteria Version 2. Collection method: clinical testing. Allele origin: germline. Affected: yes. Observed: 50 variant alleles.
Comment: AP4M1: BP4, BP7, BS2

Labcorp Genetics (formerly Invitae), Labcorp
Classification: Benign for Hereditary spastic paraplegia 50. Last evaluated: 2026-02-01. Review status: criteria provided, single submitter. Criteria: Invitae Variant Classification Sherloc (09022015). Collection method: clinical testing. Allele origin: germline.

Genome Diagnostics Laboratory, The Hospital for Sick Children
Classification: Benign for Hereditary spastic paraplegia. Last evaluated: 2022-01-17. Review status: criteria provided, single submitter. Criteria: ACMG Guidelines, 2015. Collection method: clinical testing. Allele origin: germline. Affected: yes.

Fulgent Genetics
Classification: Likely benign for Hereditary spastic paraplegia 50. Last evaluated: 2021-12-20. Review status: criteria provided, single submitter. Criteria: ACMG Guidelines, 2015. Collection method: clinical testing. Allele origin: unknown.

Mayo Clinic Laboratories, Mayo Clinic
Classification: Benign. Last evaluated: 2019-12-12. Review status: criteria provided, single submitter. Criteria: ACMG Guidelines, 2015. Collection method: clinical testing. Allele origin: germline. Observed: 14 variant alleles.

GeneDx
Classification: Benign. Last evaluated: 2016-10-24. Review status: criteria provided, single submitter. Criteria: GeneDx Variant Classification (06012015). Collection method: clinical testing. Allele origin: germline. Affected: yes.
Comment: This variant is considered likely benign or benign based on one or more of the following criteria: it is a conservative change, it occurs at a poorly conserved position in the protein, it is predicted to be benign by multiple in silico algorithms, and/or has population frequency not consistent with disease.

Genetic Services Laboratory, University of Chicago
Classification: Benign. Last evaluated: 2015-09-21. Review status: criteria provided, single submitter. Criteria: ACMG Guidelines, 2015. Collection method: clinical testing. Allele origin: germline. Affected: no.

Breakthrough Genomics
Classification: Likely benign. Review status: criteria provided, single submitter. Criteria: ACMG Guidelines, 2015. Collection method: not provided. Allele origin: germline. Inheritance: Autosomal recessive inheritance. Affected: yes.

NM_004722.4(AP4M1):c.228C>T (p.Pro76=)

Gene: AP4M1 (adaptor related protein complex 4 subunit mu 1; plus strand). Cytogenetic location: 7q22.1.
Variant type: single nucleotide variant.
Coding change: c.228C>T on transcript NM_004722.4 (MANE Select); coding-DNA position 228, C replaced by T.
Protein change: p.Pro76=; no amino-acid change (proline 76 retained).
Molecular consequence: synonymous variant.
Genome position (GRCh38, 1-based): chr7:100,102,755, C>T. VCF-style: chr7-100102755-C-T. GRCh37 (hg19) VCF-style: chr7-99700378-C-T.
Other names: p.Pro76=; c.249C>T, p.Pro83= (NM_001363671.2).
Identifiers: ClinVar variation 210209 (VCV000210209.55), dbSNP rs41280965, ClinGen allele CA208806.